The following is an entry in ClinVar:

NM_014271.4(IL1RAPL1):c.1700T>C (p.Ile567Thr)

Gene: IL1RAPL1 (interleukin 1 receptor accessory protein like 1; plus strand). Cytogenetic location: Xp21.2.
Variant type: single nucleotide variant.
Coding change: c.1700T>C on transcript NM_014271.4 (MANE Select); coding-DNA position 1700, T replaced by C.
Protein change: p.Ile567Thr; replaces isoleucine 567 with threonine.
Molecular consequence: missense variant.
Genome position (GRCh38, 1-based): chrX:29,955,429, T>C. VCF-style: chrX-29955429-T-C. GRCh37 (hg19) VCF-style: chrX-29973546-T-C.
Other names: short protein forms I567T.
Identifiers: ClinVar variation 2744110 (VCV002744110.3), dbSNP rs2518941135, ClinGen allele CA412634846.

ClinVar aggregate classification (germline): Uncertain significance (1 of 4 stars; one submission).

Allele frequency attached by ClinVar (database versions not stated): gnomAD exomes below 0.00001.
gnomAD v4.1: 4 of 1,211,099 alleles (0.00033%); highest among the groups gnomAD compares: Non-Finnish European, 0.00045%; no homozygotes.

Submission:

Labcorp Genetics (formerly Invitae), Labcorp
Classification: Uncertain significance. Last evaluated: 2023-11-13. Review status: criteria provided, single submitter. Criteria: Invitae Variant Classification Sherloc (09022015). Collection method: clinical testing. Allele origin: germline.
Comment: This sequence change replaces isoleucine, which is neutral and non-polar, with threonine, which is neutral and polar, at codon 567 of the IL1RAPL1 protein (p.Ile567Thr). This variant is not present in population databases (gnomAD no frequency). This variant has not been reported in the literature in individuals affected with IL1RAPL1-related conditions. An algorithm developed to predict the effect of missense changes on protein structure and function (PolyPhen-2) suggests that this variant is likely to be tolerated. In summary, the available evidence is currently insufficient to determine the role of this variant in disease. Therefore, it has been classified as a Variant of Uncertain Significance.